The following is an entry in ClinVar:

ClinVar aggregate classification (germline): Conflicting classifications of pathogenicity. Review status: criteria provided, conflicting classifications (1 of 4 stars). 4 submissions from 4 submitters: Pathogenic (1); Likely pathogenic (2); Uncertain significance (1). Last evaluated 2023-03-01.

Conditions:
Erythrokeratodermia variabilis et progressiva 1 (EKVP1). Also called: ERYTHROKERATODERMIA FIGURATA, CONGENITAL FAMILIAL, IN PLAQUES; ERYTHROKERATODERMIA VARIABILIS WITH ERYTHEMA GYRATUM REPENS; ERYTHROKERATODERMIA, PROGRESSIVE SYMMETRIC. Identifiers: Orphanet 317, MedGen C4551486, MONDO:0033010, OMIM 133200.
Erythrokeratodermia variabilis et progressiva 2 (EKVP2). Identifiers: MedGen C4479618, MONDO:0033012, OMIM 617524.

Allele frequency attached by ClinVar (database versions not stated): TOPMed 0.00005; gnomAD 0.00006 and 0.00009; ESP Exome Variant Server 0.00008; gnomAD exomes 0.00018 and 0.00023; ExAC 0.00021.

Submissions (4):

CeGaT Center for Human Genetics Tuebingen
Classification: Uncertain significance. Last evaluated: 2023-03-01. Review status: criteria provided, single submitter. Criteria: CeGaT Center For Human Genetics Tuebingen Variant Classification Criteria Version 2. Collection method: clinical testing. Allele origin: germline. Affected: yes. Observed: 1 variant allele.
Comment: GJB4: PM2

Mendelics
Classification: Pathogenic for Erythrokeratodermia variabilis et progressiva 2. Last evaluated: 2022-05-04. Review status: criteria provided, single submitter. Criteria: Mendelics Assertion Criteria 2019. Collection method: clinical testing. Allele origin: germline.

Genetics and Genomic Medicine Centre, NeuroGen Healthcare, NeuroGen Healthcare
Classification: Likely pathogenic for Erythrokeratodermia variabilis et progressiva 2. Last evaluated: 2021-10-02. Review status: criteria provided, single submitter. Criteria: Submitter's publication. Collection method: clinical testing. Allele origin: unknown. Affected: no.

Genomic Research Center, Shahid Beheshti University of Medical Sciences
Classification: Likely pathogenic for Erythrokeratodermia variabilis. Last evaluated: 2017-12-03. Review status: criteria provided, single submitter. Criteria: ACMG Guidelines, 2015. Collection method: clinical testing. Allele origin: inherited.

NM_153212.3(GJB4):c.386G>A (p.Trp129Ter)

Gene: GJB4 (gap junction protein beta 4; plus strand). Cytogenetic location: 1p34.3.
Variant type: single nucleotide variant.
Coding change: c.386G>A on transcript NM_153212.3 (MANE Select); coding-DNA position 386, G replaced by A.
Protein change: p.Trp129Ter; replaces tryptophan 129 with a stop codon.
Molecular consequence: nonsense.
Genome position (GRCh38, 1-based): chr1:34,761,640, G>A. VCF-style: chr1-34761640-G-A. GRCh37 (hg19) VCF-style: chr1-35227241-G-A.
Other names: short protein forms W129*.
Identifiers: ClinVar variation 522773 (VCV000522773.35), dbSNP rs148182439, ClinGen allele CA754570.
Genomic context (GRCh38, chr1:34,761,640, plus strand): 5'-ACGGGCCCAATGCCCCGTCCCTGTACGACAACCTGAGCAAGAAGCGGGGCGGACTGTGGT[G>A]GACGTACTTGCTGAGCCTCATCTTCAAGGCCGCCGTGGATGCTGGCTTCCTCTATATCTT-3'